The following is an entry in ClinVar:

NM_178335.3(CCDC50):c.678A>G (p.Lys226=)

Gene: CCDC50 (coiled-coil domain containing 50; plus strand). Cytogenetic location: 3q28.
Variant type: single nucleotide variant.
Coding change: c.678A>G on transcript NM_178335.3 (MANE Select); coding-DNA position 678, A replaced by G.
Protein change: p.Lys226=; no amino-acid change (lysine 226 retained).
Molecular consequence: synonymous variant. On other transcripts: intron variant (1).
Genome position (GRCh38, 1-based): chr3:191,375,291, A>G. VCF-style: chr3-191375291-A-G. GRCh37 (hg19) VCF-style: chr3-191093080-A-G.
Other names: p.Lys226=; c.449-4868A>G (NM_174908.4).
Identifiers: ClinVar variation 48157 (VCV000048157.14), dbSNP rs2028573, ClinGen allele CA142719.

ClinVar aggregate classification (germline): Benign. Review status: criteria provided, multiple submitters, no conflicts (2 of 4 stars). 6 submissions from 6 submitters: Benign (6). Last evaluated 2026-02-01.

Allele frequency attached by ClinVar (database versions not stated): 1000 Genomes Project 0.23043; gnomAD exomes 0.12316 and 0.08903; gnomAD 0.17949 and 0.18258; TOPMed 0.19647; ExAC 0.12809; ESP Exome Variant Server 0.18515; 1000 Genomes Project 30x 0.23532.
gnomAD v4.1: 158,388 of 1,613,458 alleles (9.8%); highest among the groups gnomAD compares: African/African-American, 41%; 12,828 homozygotes.

Submissions (6):

Labcorp Genetics (formerly Invitae), Labcorp
Classification: Benign. Last evaluated: 2026-02-01. Review status: criteria provided, single submitter. Criteria: Invitae Variant Classification Sherloc (09022015). Collection method: clinical testing. Allele origin: germline.

Mayo Clinic Laboratories, Mayo Clinic
Classification: Benign. Last evaluated: 2019-06-24. Review status: criteria provided, single submitter. Criteria: ACMG Guidelines, 2015. Collection method: clinical testing. Allele origin: germline. Observed: 27 variant alleles.

GeneDx
Classification: Benign. Last evaluated: 2017-05-09. Review status: criteria provided, single submitter. Criteria: GeneDx Variant Classification (06012015). Collection method: clinical testing. Allele origin: germline. Affected: yes.
Comment: This variant is considered likely benign or benign based on one or more of the following criteria: it is a conservative change, it occurs at a poorly conserved position in the protein, it is predicted to be benign by multiple in silico algorithms, and/or has population frequency not consistent with disease.

Laboratory for Molecular Medicine, Mass General Brigham Personalized Medicine
Classification: Benign. Last evaluated: 2012-05-07. Review status: criteria provided, single submitter. Criteria: LMM Criteria. Collection method: clinical testing. Allele origin: germline. Observed: 415 variant alleles.
Comment: "Lys226Lys in Exon 06 of CCDC50: This variant is not expected to have clinical s ignificance because it does not alter an amino acid residue, is not located with in the splice consensus sequence, and has been identified in 39.2% (1467/3738) o f African American chromosomes from a broad population by the NHLBI Exome Sequen cing Project (dbSNP rs2028573)."

Breakthrough Genomics
Classification: Benign. Review status: criteria provided, single submitter. Criteria: ACMG Guidelines, 2015. Collection method: not provided. Allele origin: germline. Inheritance: Autosomal dominant inheritance. Affected: yes.

PreventionGenetics, part of Exact Sciences
Classification: Benign. Review status: criteria provided, single submitter. Criteria: ACMG Guidelines, 2015. Collection method: clinical testing. Allele origin: germline.